The following is an entry in ClinVar:

ClinVar aggregate classification (germline): Uncertain significance (1 of 4 stars; one submission).

Allele frequency attached by ClinVar (database versions not stated): gnomAD exomes below 0.00001.
gnomAD v4.1: 3 of 1,614,060 alleles (0.00019%); highest among the groups gnomAD compares: Non-Finnish European, 0.00025%; no homozygotes.

Submission:

Labcorp Genetics (formerly Invitae), Labcorp
Classification: Uncertain significance. Last evaluated: 2025-02-03. Review status: criteria provided, single submitter. Criteria: Invitae Variant Classification Sherloc (09022015). Collection method: clinical testing. Allele origin: germline.
Comment: This sequence change replaces arginine, which is basic and polar, with glutamine, which is neutral and polar, at codon 221 of the SNRNP200 protein (p.Arg221Gln). This variant is not present in population databases (gnomAD no frequency). This variant has not been reported in the literature in individuals affected with SNRNP200-related conditions. ClinVar contains an entry for this variant (Variation ID: 864381). Invitae Evidence Modeling of protein sequence and biophysical properties (such as structural, functional, and spatial information, amino acid conservation, physicochemical variation, residue mobility, and thermodynamic stability) indicates that this missense variant is not expected to disrupt SNRNP200 protein function with a negative predictive value of 95%. In summary, the available evidence is currently insufficient to determine the role of this variant in disease. Therefore, it has been classified as a Variant of Uncertain Significance.

NM_014014.5(SNRNP200):c.662G>A (p.Arg221Gln)

Gene: SNRNP200 (small nuclear ribonucleoprotein U5 subunit 200; minus strand). Cytogenetic location: 2q11.2.
Variant type: single nucleotide variant.
Coding change: c.662G>A on transcript NM_014014.5 (MANE Select); coding-DNA position 662, G replaced by A.
Protein change: p.Arg221Gln; replaces arginine 221 with glutamine.
Molecular consequence: missense variant.
Genome position (GRCh38, 1-based): chr2:96,299,396, C>T on the plus strand (G>A on the coding strand, the complement: SNRNP200 is on the minus strand). VCF-style: chr2-96299396-C-T. GRCh37 (hg19) VCF-style: chr2-96965134-C-T.
Other names: short protein forms R221Q.
Identifiers: ClinVar variation 864381 (VCV000864381.11), dbSNP rs1574000471, ClinGen allele CA347686119.